The following is an entry in ClinVar:

NM_002691.4(POLD1):c.1761C>T (p.Ile587=)

Gene: POLD1 (DNA polymerase delta 1, catalytic subunit; plus strand). Cytogenetic location: 19q13.33.
Variant type: single nucleotide variant.
Coding change: c.1761C>T on transcript NM_002691.4 (MANE Select); coding-DNA position 1761, C replaced by T.
Protein change: p.Ile587=; no amino-acid change (isoleucine 587 retained).
Molecular consequence: synonymous variant. On other transcripts: non-coding transcript variant (1).
Genome position (GRCh38, 1-based): chr19:50,407,401, C>T. VCF-style: chr19-50407401-C-T. GRCh37 (hg19) VCF-style: chr19-50910658-C-T.
Other names: c.1761C>T, p.Ile587= (NM_001256849.1, NM_001308632.1).
Identifiers: ClinVar variation 220950 (VCV000220950.42), dbSNP rs3218755, ClinGen allele CA349400.

ClinVar aggregate classification (germline): Benign. Review status: criteria provided, multiple submitters, no conflicts (2 of 4 stars). 14 submissions from 14 submitters: Benign (12). 2 of the submissions do not count toward it. Last evaluated 2026-03-01.

Conditions:
Hereditary cancer-predisposing syndrome. Also called: Neoplastic Syndromes, Hereditary; Hereditary Cancer Syndrome; Tumor predisposition; Hereditary neoplastic syndrome. Identifiers: Orphanet 140162, MedGen C0027672, MeSH D009386, MONDO:0015356.
POLD1-related polyposis and colorectal cancer syndrome (CRCS10). Also called: Colorectal cancer 10; Colorectal cancer, susceptibility to, 10; COLORECTAL CANCER, SUSCEPTIBILITY TO, ON CHROMOSOME 19q. Identifiers: Orphanet 220460, MedGen C2675481, MONDO:0012953, OMIM 612591.
Carcinoma of colon (CRC). Also called: Colonic carcinoma; Colon carcinoma. Identifiers: MedGen C0699790, MONDO:0002032.

Allele frequency attached by ClinVar (database versions not stated): gnomAD exomes 0.00255; ExAC 0.00379; gnomAD 0.00922 and 0.00976; ESP Exome Variant Server 0.00961; TOPMed 0.01050; 1000 Genomes Project 0.01178; 1000 Genomes Project 30x 0.01280.
gnomAD v4.1: 2,713 of 1,607,448 alleles (0.17%); highest among the groups gnomAD compares: African/African-American, 3.1%; 37 homozygotes.

Submissions (14):

CeGaT Center for Human Genetics Tuebingen
Classification: Benign. Last evaluated: 2026-03-01. Review status: criteria provided, single submitter. Criteria: CeGaT Center For Human Genetics Tuebingen Variant Classification Criteria Version 2. Collection method: clinical testing. Allele origin: germline. Affected: yes. Observed: 1 variant allele.
Comment: POLD1: BP4, BP7, BS1, BS2

Labcorp Genetics (formerly Invitae), Labcorp
Classification: Benign for POLD1-related polyposis and colorectal cancer syndrome. Last evaluated: 2026-02-03. Review status: criteria provided, single submitter. Criteria: Invitae Variant Classification Sherloc (09022015). Collection method: clinical testing. Allele origin: germline.

Institute for Biomarker Research, Medical Diagnostic Laboratories, L.L.C.
Classification: Benign for Hereditary cancer-predisposing syndrome. Last evaluated: 2025-06-30. Review status: criteria provided, single submitter. Criteria: ACMG Guidelines, 2015. Collection method: clinical testing. Allele origin: germline.
Comment: The synonymous variant NM_001308632.1(POLD1):c.1761C>T (p.Ile587=) has been reported to ClinVar as Benign with a status of (2 stars) criteria provided, multiple submitters, no conflicts (Variation ID 220950 as of 2025-06-05). The p.Ile587= variant is observed in 508/15,290 (3.3224%) alleles from individuals of gnomAD African background in gnomAD, indicating it is a common benign variant. The p.Ile587= variant is not predicted to disrupt the existing donor splice site 15bp upstream by any splice site algorithm. The p.Ile587= variant results in a substitution of a base that is not predicted conserved by GERP++ and PhyloP. For these reasons, this variant has been classified as Benign.

Center for Genomic Medicine, Rigshospitalet, Copenhagen University Hospital
Classification: Benign. Last evaluated: 2025-03-04. Review status: criteria provided, single submitter. Criteria: ACMG Guidelines, 2015. Collection method: clinical testing. Allele origin: germline.

KCCC/NGS Laboratory, Kuwait Cancer Control Center
Classification: Benign for POLD1-related polyposis and colorectal cancer syndrome. Last evaluated: 2023-07-07. Review status: criteria provided, single submitter. Criteria: ACMG Guidelines, 2015. Collection method: clinical testing. Allele origin: germline. Affected: yes.

ARUP Laboratories, Molecular Genetics and Genomics, ARUP Laboratories
Classification: Benign. Last evaluated: 2023-01-06. Review status: criteria provided, single submitter. Criteria: ARUP Molecular Germline Variant Investigation Process 2024. Collection method: clinical testing. Allele origin: germline.

Women's Health and Genetics/Laboratory Corporation of America, LabCorp
Classification: Benign. Last evaluated: 2017-10-12. Review status: criteria provided, single submitter. Criteria: LabCorp Variant Classification Summary - May 2015. Collection method: clinical testing. Allele origin: germline.
Comment: Variant summary: The POLD1 c.1761C>T (p.Ile587Ile) variant involves the alteration of a non-conserved nucleotide causing a synonymous change and 5/5 splice prediction tools predict no significant impact on normal splicing. ESE finder predicts that this variant does not alter ESE binding. However, these predictions have yet to be confirmed by functional studies. This variant was found in 868/268896 control chromosomes (gnomAD), predominantly observed in the African subpopulation at a frequency of 0.032564 (753/23124, 13 homozygotes). This frequency is about 2292 times the estimated maximal expected allele frequency of a pathogenic POLD1 variant (0.0000142), suggesting this is likely a benign polymorphism found primarily in the populations of African origin. Multiple clinical diagnostic laboratories classified this variant as benign. The variant of interest has not, to our knowledge, been reported in affected individuals via publications. Taken together, this variant is classified as benign.

GeneDx
Classification: Benign. Last evaluated: 2017-05-25. Review status: criteria provided, single submitter. Criteria: GeneDx Variant Classification (06012015). Collection method: clinical testing. Allele origin: germline. Affected: yes.
Comment: This variant is considered likely benign or benign based on one or more of the following criteria: it is a conservative change, it occurs at a poorly conserved position in the protein, it is predicted to be benign by multiple in silico algorithms, and/or has population frequency not consistent with disease.

PreventionGenetics, part of Exact Sciences
Classification: Benign. Last evaluated: 2017-01-06. Review status: criteria provided, single submitter. Criteria: ACMG Guidelines, 2015. Collection method: clinical testing. Allele origin: germline.

Quest Diagnostics Nichols Institute San Juan Capistrano
Classification: Benign. Last evaluated: 2016-08-04. Review status: criteria provided, single submitter. Criteria: Quest Diagnostics criteria. Collection method: clinical testing. Allele origin: unknown.

Ambry Genetics
Classification: Benign for Hereditary cancer-predisposing syndrome. Last evaluated: 2015-05-20. Review status: criteria provided, single submitter. Criteria: Ambry Variant Classification Scheme 2023. Collection method: clinical testing. Allele origin: germline.

Breakthrough Genomics
Classification: Benign. Review status: criteria provided, single submitter. Criteria: ACMG Guidelines, 2015. Collection method: not provided. Allele origin: germline. Inheritance: Autosomal dominant inheritance. Affected: yes.

True Health Diagnostics
Classification: Likely benign for Hereditary cancer-predisposing syndrome. Last evaluated: 2017-10-25. Review status: no assertion criteria provided. Collection method: clinical testing. Allele origin: germline. Not counted in ClinVar's aggregate classification.

Department of Pathology and Laboratory Medicine, Sinai Health System
Classification: Likely benign for Carcinoma of colon. Review status: no assertion criteria provided. Collection method: clinical testing. Allele origin: unknown. Affected: yes. Study: The Canadian Open Genetics Repository (COGR). Not counted in ClinVar's aggregate classification.
Comment: The POLD1 p.Ile587= variant was not identified in the literature nor was it identified in Cosmic or MutDB. The variant was identified in dbSNP (ID: rs3218755 as With Likely benign allele) and ClinVar (classified as benign by Invitae, GeneDx, Ambry Genetics and Quest Diagnostics). The variant was also identified in control databases in 868 of 268896 chromosomes (13 homozygous) at a frequency of 0.003, increasing the likelihood this could be a low frequency benign variant (Genome Aggregation Database Feb 27, 2017). This variant was observed in the following populations: African in 753 of 23124 chromosomes (freq: 0.03), Other in 10 of 6290 chromosomes (freq: 0.002), Latino in 96 of 33914 chromosomes (freq: 0.003), European Non-Finnish in 8 of 122672 chromosomes (freq: 0.00007), and Ashkenazi Jewish in 1 of 9970 chromosomes (freq: 0.0001), while the variant was not observed in the East Asian, Finnish, or South Asian populations. The p.Ile587= variant is not expected to have clinical significance because it does not result in a change of amino acid and c.1761 is not a well conserved nucleotide. In addition, the variant is not located in a known consensus splice site and in silico or computational prediction software programs (SpliceSiteFinder, MaxEntScan, NNSPLICE, GeneSplicer) do not predict a difference in splicing. In summary, the clinical significance of this variant cannot be determined with certainty at this time, although the available information suggests a benign role for this variant. This variant is classified as likely benign.